The following is an entry in ClinVar:

ClinVar aggregate classification (germline): Likely pathogenic (1 of 4 stars; one submission).

Conditions:
Congenital myasthenic syndrome 9. Also called: Myasthenic syndrome, congenital, 9, associated with acetylcholine receptor deficiency. Identifiers: Orphanet 590, MedGen C4225368, MONDO:0014587, OMIM 616325.
Fetal akinesia deformation sequence 1 (FADS1). Also called: Pena-Shokeir syndrome type I; Fetal akinesia sequence. Identifiers: Orphanet 994, MedGen C1276035, MONDO:0100101, OMIM 208150, HP:0001989.

Submission:

Labcorp Genetics (formerly Invitae), Labcorp
Classification: Likely pathogenic for Congenital myasthenic syndrome 9; Fetal akinesia deformation sequence 1. Last evaluated: 2022-11-30. Review status: criteria provided, single submitter. Criteria: Invitae Variant Classification Sherloc (09022015). Collection method: clinical testing. Allele origin: unknown.
Comment: In summary, the currently available evidence indicates that the variant is pathogenic, but additional data are needed to prove that conclusively. Therefore, this variant has been classified as Likely Pathogenic. This variant has not been reported in the literature in individuals affected with MUSK-related conditions. This variant results in the deletion of part of exon 13 (c.1646_1778+338del) of the MUSK gene. It is expected to disrupt RNA splicing. Variants that disrupt the donor or acceptor splice site typically lead to a loss of protein function (PMID: 16199547), and loss-of-function variants in MUSK are known to be pathogenic (PMID: 8653786, 25612909, 25695962, 25900532).

Literature cited by the submitters: PubMed 16199547; PubMed 8653786; PubMed 25612909; PubMed 25695962; PubMed 25900532.

NC_000009.11:g.(?_113547866)_(113548336_?)del

Gene: MUSK (muscle associated receptor tyrosine kinase; plus strand). Cytogenetic location: 9q31.3.
Variant type: Deletion.
Identifiers: ClinVar variation 3245265 (VCV003245265.1).